The following is an entry in ClinVar:

ClinVar aggregate classification (germline): Uncertain significance (1 of 4 stars; one submission).

gnomAD v4.1: 2 of 1,204,504 alleles (0.00017%); highest among the groups gnomAD compares: East Asian, 0.0059%; no homozygotes.

Submission:

GeneDx
Classification: Uncertain significance. Last evaluated: 2024-01-30. Review status: criteria provided, single submitter. Criteria: GeneDx Variant Classification Process June 2021. Collection method: clinical testing. Allele origin: germline. Affected: yes.
Comment: Not observed at significant frequency in large population cohorts (gnomAD); Missense variants in this gene are a common cause of disease and they are underrepresented in the general population; In silico analysis supports that this missense variant does not alter protein structure/function; Has not been previously published as pathogenic or benign to our knowledge

NM_001184880.2(PCDH19):c.2165C>T (p.Thr722Ile)

Gene: PCDH19 (protocadherin 19; minus strand). Cytogenetic location: Xq22.1.
Variant type: single nucleotide variant.
Coding change: c.2165C>T on transcript NM_001184880.2 (MANE Select); coding-DNA position 2165, C replaced by T.
Protein change: p.Thr722Ile; replaces threonine 722 with isoleucine.
Molecular consequence: missense variant. On other transcripts: intron variant (2).
Genome position (GRCh38, 1-based): chrX:100,403,647, G>A on the plus strand (C>T on the coding strand, the complement: PCDH19 is on the minus strand). VCF-style: chrX-100403647-G-A. GRCh37 (hg19) VCF-style: chrX-99658645-G-A.
Other names: c.2148-796C>T (NM_020766.3, NM_001105243.2); short protein forms T722I.
Identifiers: ClinVar variation 3368563 (VCV003368563.1).
Genomic context (GRCh38, chrX:100,403,647, plus strand): 5'-ACCGAGATGCAATGCAGACACTTGCTGTTTTGTCCTTTTATAAAACAGCCGAGGAGACAA[G>A]TGATGGTTAAACAATTACTGCAAAGGAATTTAAAGGTTAGTGCATTCAGCATCCTTCTCC-3'
Protein context (NP_001171809.1, residues 712-732): TYNCSNCLTI[Thr722Ile]CLLGCFIKGQ